The following is an entry in ClinVar:

NM_000135.4(FANCA):c.4198C>T (p.Arg1400Cys)

Genes: FANCA (FA complementation group A; minus strand), ZNF276 (zinc finger protein 276; plus strand). Cytogenetic location: 16q24.3.
Variant type: single nucleotide variant.
Coding change: c.4198C>T on transcript NM_000135.4 (MANE Select); coding-DNA position 4198, C replaced by T.
Protein change: p.Arg1400Cys; replaces arginine 1400 with cysteine.
Molecular consequence: missense variant. On other transcripts: 3 prime UTR variant (2), non-coding transcript variant (4).
Genome position (GRCh38, 1-based): chr16:89,738,944, G>A on the plus strand (C>T on the coding strand, the complement: FANCA is on the minus strand). VCF-style: chr16-89738944-G-A. GRCh37 (hg19) VCF-style: chr16-89805352-G-A.
Other names: c.4202C>T, p.Ser1401Leu (NM_001286167.3); c.*698G>A (NM_001113525.2, NM_152287.4); c.4198C>T (NM_000135.3); short protein forms R1400C, S1401L.
Identifiers: ClinVar variation 554887 (VCV000554887.26), dbSNP rs745882980, ClinGen allele CA8250693.

ClinVar aggregate classification (germline): Pathogenic/Likely pathogenic. Review status: criteria provided, multiple submitters, no conflicts (2 of 4 stars). 10 submissions from 10 submitters: Pathogenic (6); Likely pathogenic (2). 2 of the submissions do not count toward it. Last evaluated 2026-01-13.

Conditions:
Fanconi anemia complementation group A (FANCA). Also called: FANCA-Related Fanconi Anemia; Fanconi anemia, group A. Identifiers: Orphanet 84, MedGen C3469521, MONDO:0009215, OMIM 227650.
Fanconi anemia (FA). Also called: Fanconi's anemia. Identifiers: Orphanet 84, MedGen C0015625, MeSH D005199, MONDO:0019391.

Allele frequency attached by ClinVar (database versions not stated): gnomAD 0.00001; gnomAD exomes 0.00001; ExAC 0.00002; TOPMed 0.00002.
gnomAD v4.1: 8 of 1,614,136 alleles (0.0005%); highest among the groups gnomAD compares: Admixed American, 0.0017%; no homozygotes.

Submissions (10):

Labcorp Genetics (formerly Invitae), Labcorp
Classification: Pathogenic for Fanconi anemia. Last evaluated: 2026-01-13. Review status: criteria provided, single submitter. Criteria: Invitae Variant Classification Sherloc (09022015). Collection method: clinical testing. Allele origin: germline.
Comment: This sequence change replaces arginine, which is basic and polar, with cysteine, which is neutral and slightly polar, at codon 1400 of the FANCA protein (p.Arg1400Cys). This variant is present in population databases (rs745882980, gnomAD 0.01%). This missense change has been observed in individuals with Fanconi anemia (PMID: 15643609, 21273304, 24584348, 28102861, 28717661, 29098742). ClinVar contains an entry for this variant (Variation ID: 554887). Invitae Evidence Modeling of protein sequence and biophysical properties (such as structural, functional, and spatial information, amino acid conservation, physicochemical variation, residue mobility, and thermodynamic stability) has been performed for this missense variant. However, the output from this modeling did not meet the statistical confidence thresholds required to predict the impact of this variant on FANCA protein function. Algorithms developed to predict the effect of sequence changes on RNA splicing suggest that this variant may create or strengthen a splice site. This variant disrupts the p.Arg1400 amino acid residue in FANCA. Other variant(s) that disrupt this residue have been observed in individuals with FANCA-related conditions (PMID: 17924555, 29098742, 30792206), which suggests that this may be a clinically significant amino acid residue. For these reasons, this variant has been classified as Pathogenic.

Natera, Inc.
Classification: Pathogenic for Fanconi anemia. Last evaluated: 2024-04-21. Review status: criteria provided, single submitter. Criteria: Natera Variant Classification Schema (03/2026). Collection method: clinical testing. Allele origin: germline.
Comment: The c.4198C>T variant in FANCA is a missense variant predicted to cause substitution of arginine to cysteine at amino acid 1400. This variant is rare in the general population with a frequency below the threshold expected for the associated phenotype(s). This variant has been observed in one or more individuals affected with the associated recessive disease, as either homozygous or compound heterozygous with a second variant (PMID: 24037726, 21273304). Computational prediction algorithms indicate this variant is likely to affect gene or protein function. Given the available evidence, this variant is classified as Pathogenic.

Daryl Scott Lab, Baylor College of Medicine
Classification: Pathogenic for Fanconi anemia complementation group A. Last evaluated: 2024-04-01. Review status: criteria provided, single submitter. Criteria: ACMG Guidelines, 2015. Collection method: clinical testing. Allele origin: unknown. Observed: 1 heterozygote.
Comment: PS4, PM3, PP3

Baylor Genetics
Classification: Pathogenic for Fanconi anemia complementation group A. Last evaluated: 2023-12-06. Review status: criteria provided, single submitter. Criteria: ACMG Guidelines, 2015. Collection method: clinical testing. Allele origin: unknown.

Neuberg Centre For Genomic Medicine, NCGM
Classification: Pathogenic for Fanconi anemia complementation group A. Last evaluated: 2023-02-14. Review status: criteria provided, single submitter. Criteria: ACMG Guidelines, 2015. Collection method: clinical testing. Allele origin: germline. Inheritance: Autosomal recessive inheritance. Affected: yes.
Comment: The missense c.4198C>T(p.Arg1400Cys) variant in FANCA gene has been reported previously in multiple individuals affected with Fanconi anemia (Kimble DC, et. al., 2018; Pilonetto DV, et. al., 2017). The p.Arg1400Cys variant has been reported with allele frequency of 0.001% in gnomAD Exomes and is novel (not in any individuals) in 1000 Genomes. This variant has been reported to the ClinVar database as Likely Pathogenic / Pathogenic (multiple submissions). The amino acid change p.Arg1400Cys in FANCA is predicted as conserved by GERP++ and PhyloP across 100 vertebrates. The amino acid Arg at position 1400 is changed to a Cys changing protein sequence and it might alter its composition and physico-chemical properties. For these reasons, this variant has been classified as Pathogenic. In absence of another reportable variant in FANCA gene, the molecular diagnosis is not confirmed.

Women's Health and Genetics/Laboratory Corporation of America, LabCorp
Classification: Pathogenic for Fanconi anemia. Last evaluated: 2021-09-28. Review status: criteria provided, single submitter. Criteria: LabCorp Variant Classification Summary - May 2015. Collection method: clinical testing. Allele origin: germline.
Comment: Variant summary: FANCA c.4198C>T (p.Arg1400Cys) results in a non-conservative amino acid change in the encoded protein sequence. Five of five in-silico tools predict a damaging effect of the variant on protein function. The variant allele was found at a frequency of 1.2e-05 in 251486 control chromosomes. c.4198C>T has been reported in the literature in multiple individuals affected with Fanconi Anemia (example, Levran_2005, Castella_2011, De Rocco_2014, Muramatsu_2017, Pilonetto_2017, Kimble_2018, Mori_2019). These data indicate that the variant is very likely to be associated with disease. To our knowledge, no experimental evidence demonstrating an impact on protein function has been reported. Three clinical diagnostic laboratories and one database (LOVD) have submitted clinical-significance assessments for this variant to ClinVar after 2014 without evidence for independent evaluation. All submitters classified the variant as pathogenic/likely pathogenic. Based on the evidence outlined above, the variant was classified as pathogenic.

Revvity Omics, Revvity
Classification: Likely pathogenic for Fanconi anemia complementation group A. Last evaluated: 2019-05-06. Review status: criteria provided, single submitter. Criteria: ACMG Guidelines, 2015. Collection method: clinical testing. Allele origin: germline.

Fulgent Genetics
Classification: Likely pathogenic for Fanconi anemia complementation group A. Last evaluated: 2018-10-31. Review status: criteria provided, single submitter. Criteria: ACMG Guidelines, 2015. Collection method: clinical testing. Allele origin: unknown.

Leiden Open Variation Database
Classification: Pathogenic for Fanconi anemia complementation group A. Last evaluated: 2020-02-28. Review status: no assertion criteria provided. Collection method: curation. Allele origin: germline. Affected: yes. Not counted in ClinVar's aggregate classification.
Comment: Curator: Arleen D. Auerbach. Submitters to LOVD: Arleen D. Auerbach, Daniela Pilonetto.

Counsyl
Classification: Likely pathogenic for Fanconi anemia complementation group A. Last evaluated: 2017-11-08. Review status: no assertion criteria provided. Collection method: clinical testing. Allele origin: unknown. Not counted in ClinVar's aggregate classification.

Literature cited by the submitters: PubMed 15643609 (cited by 3 submitters); PubMed 21273304 (cited by 4 submitters); PubMed 24584348 (cited by 3 submitters); PubMed 28102861 (cited by Labcorp Genetics (formerly Invitae), Labcorp and Women's Health and Genetics/Laboratory Corporation of America, LabCorp); PubMed 28717661 (cited by 3 submitters); PubMed 29098742 (cited by Labcorp Genetics (formerly Invitae), Labcorp and Women's Health and Genetics/Laboratory Corporation of America, LabCorp); PubMed 17924555 (cited by Labcorp Genetics (formerly Invitae), Labcorp); PubMed 30792206 (cited by Labcorp Genetics (formerly Invitae), Labcorp and Women's Health and Genetics/Laboratory Corporation of America, LabCorp); PubMed 24037726 (cited by Natera, Inc. and Counsyl).